The following is an entry in ClinVar:

NM_000453.3(SLC5A5):c.1340dup (p.Leu449fs)

Gene: SLC5A5 (solute carrier family 5 member 5; plus strand). Cytogenetic location: 19p13.11.
Variant type: Duplication.
Coding change: c.1340dup on transcript NM_000453.3 (MANE Select); coding-DNA position 1340, one base duplicated (C; older notation c.1340dupC).
Protein change: p.Leu449fs; shifts the reading frame from leucine 449.
Molecular consequence: frameshift variant.
Genome position (GRCh38, 1-based): chr19:17,883,860, C duplicated. VCF-style (leftmost placement, unchanged base first): chr19-17883859-G-GC. GRCh37 (hg19) VCF-style: chr19-17994668-G-GC.
Other names: short protein forms L449fs.
Identifiers: ClinVar variation 3000681 (VCV003000681.4), dbSNP rs1568423738, ClinGen allele CA632136441.

ClinVar aggregate classification (germline): Pathogenic/Likely pathogenic. Review status: criteria provided, multiple submitters, no conflicts (2 of 4 stars). 2 submissions from 2 submitters: Pathogenic (1); Likely pathogenic (1). Last evaluated 2024-05-29.

Conditions:
Thyroid dyshormonogenesis 1. Also called: Familial thyroid dyshormonogenesis 1; HYPOTHYROIDISM, CONGENITAL, DUE TO DYSHORMONOGENESIS, 1; IODINE ACCUMULATION, TRANSPORT, OR TRAPPING DEFECT; THYROID HORMONOGENESIS, GENETIC DEFECT IN, 1. Identifiers: Orphanet 95716, MedGen C1848805, MONDO:0020716, OMIM 274400.

Allele frequency attached by ClinVar (database versions not stated): gnomAD exomes below 0.00001.

Submissions (2):

Fulgent Genetics
Classification: Likely pathogenic for Thyroid dyshormonogenesis 1. Last evaluated: 2024-05-29. Review status: criteria provided, single submitter. Criteria: ACMG Guidelines, 2015. Collection method: clinical testing. Allele origin: germline.

Labcorp Genetics (formerly Invitae), Labcorp
Classification: Pathogenic. Last evaluated: 2024-01-25. Review status: criteria provided, single submitter. Criteria: Invitae Variant Classification Sherloc (09022015). Collection method: clinical testing. Allele origin: germline.
Comment: This sequence change creates a premature translational stop signal (p.Leu449Thrfs*54) in the SLC5A5 gene. It is expected to result in an absent or disrupted protein product. Loss-of-function variants in SLC5A5 are known to be pathogenic (PMID: 9388506, 9486973). This variant is present in population databases (no rsID available, gnomAD 0.01%). This variant has not been reported in the literature in individuals affected with SLC5A5-related conditions. For these reasons, this variant has been classified as Pathogenic.

Literature cited by the submitters: PubMed 9388506 (cited by Labcorp Genetics (formerly Invitae), Labcorp); PubMed 9486973 (cited by Labcorp Genetics (formerly Invitae), Labcorp).